The following is an entry in ClinVar:

NM_015450.3(POT1):c.232A>G (p.Ile78Val)

Gene: POT1 (protection of telomeres 1; minus strand). Cytogenetic location: 7q31.33.
Variant type: single nucleotide variant.
Coding change: c.232A>G on transcript NM_015450.3 (MANE Select); coding-DNA position 232, A replaced by G.
Protein change: p.Ile78Val; replaces isoleucine 78 with valine.
Molecular consequence: missense variant. On other transcripts: non-coding transcript variant (3), intron variant (1).
Genome position (GRCh38, 1-based): chr7:124,870,934, T>C on the plus strand (A>G on the coding strand, the complement: POT1 is on the minus strand). VCF-style: chr7-124870934-T-C. GRCh37 (hg19) VCF-style: chr7-124510988-T-C.
Other names: c.-138-7294A>G (NM_001042594.2); short protein forms I78V.
Identifiers: ClinVar variation 1789691 (VCV001789691.2), dbSNP rs2485504725, ClinGen allele CA369061345.

ClinVar aggregate classification (germline): Uncertain significance (1 of 4 stars; one submission).

Conditions:
Hereditary cancer-predisposing syndrome. Also called: Hereditary Cancer Syndrome; Hereditary neoplastic syndrome; Tumor predisposition; Neoplastic Syndromes, Hereditary. Identifiers: Orphanet 140162, MedGen C0027672, MeSH D009386, MONDO:0015356.

Allele frequency attached by ClinVar (database versions not stated): gnomAD exomes 0.00001.
gnomAD v4.1: 9 of 1,607,618 alleles (0.00056%); highest among the groups gnomAD compares: Non-Finnish European, 0.00076%; no homozygotes.

Submission:

Ambry Genetics
Classification: Uncertain significance for Hereditary cancer-predisposing syndrome. Last evaluated: 2022-02-22. Review status: criteria provided, single submitter. Criteria: Ambry Variant Classification Scheme 2023. Collection method: clinical testing. Allele origin: germline.
Comment: The p.I78V variant (also known as c.232A>G), located in coding exon 3 of the POT1 gene, results from an A to G substitution at nucleotide position 232. The isoleucine at codon 78 is replaced by valine, an amino acid with highly similar properties. This amino acid position is conserved. In addition, this alteration is predicted to be tolerated by in silico analysis. Since supporting evidence is limited at this time, the clinical significance of this alteration remains unclear.